The following is an entry in ClinVar:

ClinVar aggregate classification (germline): Uncertain significance (1 of 4 stars; one submission).

Conditions:
Bethlem myopathy 1A. Also called: MYOPATHY, BENIGN CONGENITAL, WITH CONTRACTURES; Bethlem myopathy 1; Bethlem Muscular Dystrophy. Identifiers: Orphanet 610, MedGen CN029274, MONDO:0024530, OMIM 158810.

Submission:

Labcorp Genetics (formerly Invitae), Labcorp
Classification: Uncertain significance for Bethlem myopathy 1A. Last evaluated: 2023-11-10. Review status: criteria provided, single submitter. Criteria: Invitae Variant Classification Sherloc (09022015). Collection method: clinical testing. Allele origin: germline.
Comment: This sequence change replaces threonine, which is neutral and polar, with isoleucine, which is neutral and non-polar, at codon 3134 of the COL6A3 protein (p.Thr3134Ile). This variant is not present in population databases (gnomAD no frequency). This variant has not been reported in the literature in individuals affected with COL6A3-related conditions. Advanced modeling of protein sequence and biophysical properties (such as structural, functional, and spatial information, amino acid conservation, physicochemical variation, residue mobility, and thermodynamic stability) performed at Invitae indicates that this missense variant is not expected to disrupt COL6A3 protein function with a negative predictive value of 95%. In summary, the available evidence is currently insufficient to determine the role of this variant in disease. Therefore, it has been classified as a Variant of Uncertain Significance.

NM_004369.4(COL6A3):c.9401C>T (p.Thr3134Ile)

Genes: COL6A3 (collagen type VI alpha 3 chain; minus strand), LOC126806573 (CDK7 strongly-dependent group 2 enhancer GRCh37_chr2:238233151-238234350; plus strand). Cytogenetic location: 2q37.3.
Variant type: single nucleotide variant.
Coding change: c.9401C>T on transcript NM_004369.4 (MANE Select); coding-DNA position 9401, C replaced by T.
Protein change: p.Thr3134Ile; replaces threonine 3134 with isoleucine.
Molecular consequence: missense variant.
Genome position (GRCh38, 1-based): chr2:237,325,652, G>A on the plus strand (C>T on the coding strand, the complement: COL6A3 is on the minus strand). VCF-style: chr2-237325652-G-A. GRCh37 (hg19) VCF-style: chr2-238234295-G-A.
Other names: c.7580C>T, p.Thr2527Ile (NM_057166.5); c.8783C>T, p.Thr2928Ile (NM_057167.4); short protein forms T2928I, T2527I, T3134I.
Identifiers: ClinVar variation 2694721 (VCV002694721.3), dbSNP rs2469765458, ClinGen allele CA351185528.